The following is an entry in ClinVar:

NM_014339.7(IL17RA):c.*2163G>C

Gene: IL17RA (interleukin 17 receptor A; plus strand). Cytogenetic location: 22q11.1.
Variant type: single nucleotide variant.
Coding change: c.*2163G>C on transcript NM_014339.7 (MANE Select); 2163 bases downstream of the stop codon, G replaced by C.
Molecular consequence: 3 prime UTR variant.
Genome position (GRCh38, 1-based): chr22:17,111,983, G>C. VCF-style: chr22-17111983-G-C. GRCh37 (hg19) VCF-style: chr22-17592873-G-C.
Other names: c.*2163G>C (NM_001289905.2).
Identifiers: ClinVar variation 340651 (VCV000340651.6), dbSNP rs543545127, ClinGen allele CA10653159.

ClinVar aggregate classification (germline): Benign. Review status: criteria provided, multiple submitters, no conflicts (2 of 4 stars). 2 submissions from 2 submitters: Benign (2). Last evaluated 2018-01-12.

Conditions:
Immunodeficiency 51 (IMD51). Also called: CANDIDIASIS, FAMILIAL, 5. Identifiers: Orphanet 1334, MedGen C4310803, MONDO:0013500, OMIM 613953.

Allele frequency attached by ClinVar (database versions not stated): gnomAD 0.00013; TOPMed 0.00023; 1000 Genomes Project 30x 0.00765; 1000 Genomes Project 0.00839.

Submissions (2):

Illumina Laboratory Services, Illumina
Classification: Benign for Immunodeficiency 51. Last evaluated: 2018-01-12. Review status: criteria provided, single submitter. Criteria: ICSL Variant Classification Criteria 13 December 2019. Collection method: clinical testing. Allele origin: germline.
Comment: This variant was observed in the ICSL laboratory as part of a predisposition screen in an ostensibly healthy population. It had not been previously curated by ICSL or reported in the Human Gene Mutation Database (HGMD: prior to June 1st, 2018), and was therefore a candidate for classification through an automated scoring system. Utilizing variant allele frequency, disease prevalence and penetrance estimates, and inheritance mode, an automated score was calculated to assess if this variant is too frequent to cause the disease. Based on the score and internal cut-off values, a variant classified as benign is not then subjected to further curation. The score for this variant resulted in a classification of benign for this disease.

Breakthrough Genomics
Classification: Benign. Review status: criteria provided, single submitter. Criteria: ACMG Guidelines, 2015. Collection method: not provided. Allele origin: germline. Inheritance: Autosomal recessive inheritance. Affected: yes.